The following is an entry in ClinVar:

ClinVar aggregate classification (germline): Conflicting classifications of pathogenicity. Review status: criteria provided, conflicting classifications (1 of 4 stars). 28 submissions from 28 submitters: Uncertain significance (11); Benign (6); Likely benign (8). 3 of the submissions do not count toward it. Last evaluated 2026-02-04.

Conditions:
CHEK2-related disorder.
Breast and/or ovarian cancer. Identifiers: MedGen CN221562.
Hereditary cancer-predisposing syndrome. Also called: Tumor predisposition; Hereditary neoplastic syndrome; Neoplastic Syndromes, Hereditary; Hereditary Cancer Syndrome. Identifiers: Orphanet 140162, MedGen C0027672, MeSH D009386, MONDO:0015356.
Hereditary breast ovarian cancer syndrome. Also called: Hereditary breast and ovarian cancer syndrome (HBOC); Hereditary breast and ovarian cancer; Hereditary breast and ovarian cancer syndrome; Breast and ovarian cancer; Hereditary breast and/or ovarian cancer syndrome; BRCA1- and BRCA2-Associated Hereditary Breast and Ovarian Cancer. Identifiers: Orphanet 145, MedGen C0677776, MeSH D061325, MONDO:0003582. Disease mechanism: loss of function.
Prostate cancer. Also called: Malignant tumor of prostate. Identifiers: Orphanet 1331, MedGen C0376358, MONDO:0008315, HP:0012125.
CHEK2-related cancer predisposition (TPDS4). Also called: TUMOR PREDISPOSITION SYNDROME 4; CANCER PREDISPOSITION SYNDROME, CHEK2-RELATED; CHEK2-related cancer susceptibility. Identifiers: Orphanet 524, MedGen C5882668, MONDO:0700271, OMIM 609265.
Familial cancer of breast. Also called: Hereditary breast cancer; hereditary breast carcinoma; BREAST CANCER, FAMILIAL. Identifiers: Orphanet 227535, MedGen C0346153, MONDO:0016419, OMIM 114480. Disease mechanism: loss of function.

Allele frequency attached by ClinVar (database versions not stated): gnomAD 0.00051 and 0.00063; TOPMed 0.00070; gnomAD exomes 0.00084 and 0.00100; ESP Exome Variant Server 0.00108; ExAC 0.00136; 1000 Genomes Project 0.00200; 1000 Genomes Project 30x 0.00203.
gnomAD v4.1: 1,337 of 1,613,844 alleles (0.083%); highest among the groups gnomAD compares: East Asian, 0.21%; no homozygotes.

Submissions 1 to 20 of 28:

Labcorp Genetics (formerly Invitae), Labcorp
Classification: Benign for Familial cancer of breast. Last evaluated: 2026-02-04. Review status: criteria provided, single submitter. Criteria: Invitae Variant Classification Sherloc (09022015). Collection method: clinical testing. Allele origin: germline.

Center for Genomic Medicine, Rigshospitalet, Copenhagen University Hospital
Classification: Uncertain significance. Last evaluated: 2025-12-29. Review status: criteria provided, single submitter. Criteria: ACMG Guidelines, 2015. Collection method: clinical testing. Allele origin: germline.

Quest Diagnostics Nichols Institute San Juan Capistrano
Classification: Benign. Last evaluated: 2025-08-28. Review status: criteria provided, single submitter. Criteria: Quest Diagnostics criteria. Collection method: clinical testing. Allele origin: unknown.

Mayo Clinic Laboratories, Mayo Clinic
Classification: Likely benign. Last evaluated: 2025-07-28. Review status: criteria provided, single submitter. Criteria: ACMG Guidelines, 2015. Collection method: clinical testing. Allele origin: germline. Observed: 4 variant alleles.
Comment: BS1, BS3_supporting

Blueprint Genetics
Classification: Likely benign. Last evaluated: 2024-10-22. Review status: criteria provided, single submitter. Criteria: ACMG Guidelines, 2015. Collection method: clinical testing. Allele origin: germline.

CeGaT Center for Human Genetics Tuebingen
Classification: Uncertain significance. Last evaluated: 2024-05-01. Review status: criteria provided, single submitter. Criteria: CeGaT Center For Human Genetics Tuebingen Variant Classification Criteria Version 2. Collection method: clinical testing. Allele origin: germline. Affected: yes. Observed: 4 variant alleles.

Molecular Oncology Research Center, Barretos Cancer Hospital
Classification: Likely benign for Hereditary breast ovarian cancer syndrome. Last evaluated: 2024-01-25. Review status: criteria provided, single submitter. Criteria: ACMG Guidelines, 2015. Collection method: research. Allele origin: germline. Affected: yes. Observed: 1 variant allele.

Myriad Genetics, Inc.
Classification: Likely benign for Familial cancer of breast. Last evaluated: 2023-03-09. Review status: criteria provided, single submitter. Criteria: Myriad Autosomal Dominant, Autosomal Recessive and X-Linked Classification Criteria (2023). Collection method: clinical testing. Allele origin: unknown.
Comment: This variant is considered likely benign. This variant is strongly associated with less severe personal and family histories of cancer, typical for individuals without pathogenic variants in this gene [PMID: 25085752].

CHEO Genetics Diagnostic Laboratory, Children's Hospital of Eastern Ontario
Classification: Uncertain significance for Breast and/or ovarian cancer. Last evaluated: 2022-09-14. Review status: criteria provided, single submitter. Criteria: ACMG Guidelines, 2015. Collection method: clinical testing. Allele origin: germline.

National Health Laboratory Service, Universitas Academic Hospital and University of the Free State
Classification: Uncertain significance for Hereditary breast ovarian cancer syndrome. Last evaluated: 2022-04-19. Review status: criteria provided, single submitter. Criteria: ACMG Guidelines, 2015. Collection method: clinical testing. Allele origin: germline. Affected: yes. Observed: 1 variant allele.

ARUP Laboratories, Molecular Genetics and Genomics, ARUP Laboratories
Classification: Likely benign. Last evaluated: 2022-01-13. Review status: criteria provided, single submitter. Criteria: ARUP Molecular Germline Variant Investigation Process 2021. Collection method: clinical testing. Allele origin: germline.

Institute for Clinical Genetics, University Hospital TU Dresden, University Hospital TU Dresden
Classification: Uncertain significance. Last evaluated: 2021-11-03. Review status: criteria provided, single submitter. Criteria: ACMG Guidelines, 2015. Collection method: clinical testing. Allele origin: germline.

Sema4
Classification: Likely benign for Hereditary cancer-predisposing syndrome. Last evaluated: 2021-06-09. Review status: criteria provided, single submitter. Criteria: Sema4 Curation Guidelines. Collection method: curation. Allele origin: germline.

GeneDx
Classification: Likely benign. Last evaluated: 2020-10-21. Review status: criteria provided, single submitter. Criteria: GeneDx Variant Classification Process June 2021. Collection method: clinical testing. Allele origin: germline. Affected: yes.
Comment: In silico analysis, which includes protein predictors and evolutionary conservation, supports a deleterious effect; Case-control studies are inconclusive regarding association with breast cancer (Southy 2016, Decker 2017); Observed in individuals with breast, prostate, or ovarian cancer (Dong 2003, Dufault 2004, Kleibl 2008, Mohelnikova-Duchonova 2010, Le Calvez-Kelm 2011, Liu 2011, Mohamad 2015, Ng 2016, Chirasophon 2017, Xie 2017); Also known as CHEK2 c.667C>T (p.Arg223Cys); Published functional studies are inconclusive: intermediate response to DNA damage (Walsh 2011, Roeb 2012); This variant is associated with the following publications: (PMID: 26757417, 26483394, 28580595, 18085035, 30826992, 31060593, 25629968, 12533788, 22995991, 25980754, 25525159, 15095295, 20643596, 21618645, 24549055, 21244692, 27153395, 27498913, 22419737, 27595995, 21744992, 18058223, 18996005, 27621404, 23960188, 27783279, 22006311, 23555315, 28188963, 28452373, 28779002, 19782031, 29879026, 29470806, 30287823, 30851065, 31050813, 31422574, 29667044, 29263802, 32566746, 32041497, 33326660, 32906215)

Genetics and Molecular Pathology, SA Pathology
Classification: Benign for Familial cancer of breast. Last evaluated: 2020-10-07. Review status: criteria provided, single submitter. Criteria: ACMG Guidelines, 2015. Collection method: clinical testing. Allele origin: germline. Affected: yes.

Centre for Mendelian Genomics, University Medical Centre Ljubljana
Classification: Uncertain significance for Familial cancer of breast. Last evaluated: 2019-07-08. Review status: criteria provided, single submitter. Criteria: ACMG Guidelines, 2015. Collection method: clinical testing. Allele origin: unknown. Affected: yes.
Comment: This variant was classified as: Uncertain significance. The available evidence on this variant's pathogenicity is insufficient or conflicting. The following ACMG criteria were applied in classifying this variant: PP3,BP6.

Cancer Genomics Group, Japanese Foundation For Cancer Research
Classification: Uncertain significance for Hereditary breast and ovarian cancer syndrome. Last evaluated: 2019-05-01. Review status: criteria provided, single submitter. Criteria: ACMG Guidelines, 2015. Collection method: research. Allele origin: germline. Affected: yes.

Mendelics
Classification: Benign for Familial cancer of breast. Last evaluated: 2018-07-02. Review status: criteria provided, single submitter. Criteria: Mendelics Assertion Criteria 2017. Collection method: clinical testing. Allele origin: unknown.

Institute for Biomarker Research, Medical Diagnostic Laboratories, L.L.C.
Classification: Uncertain significance for Hereditary cancer-predisposing syndrome. Last evaluated: 2018-01-16. Review status: criteria provided, single submitter. Criteria: ACMG Guidelines, 2015. Collection method: clinical testing. Allele origin: germline.

Illumina Laboratory Services, Illumina
Classification: Uncertain significance for CHEK2-Related Cancer Susceptibility. Last evaluated: 2017-04-27. Review status: criteria provided, single submitter. Criteria: ICSL Variant Classification Criteria 13 December 2019. Collection method: clinical testing. Allele origin: germline.
Comment: This variant was observed as part of a predisposition screen in an ostensibly healthy population. A literature search was performed for the gene, cDNA change, and amino acid change (where applicable). Publications were found based on this search. However, the evidence from the literature, in combination with allele frequency data from public databases where available, was not sufficient to rule this variant in or out of causing disease. Therefore, this variant is classified as a variant of unknown significance.

NM_007194.4(CHEK2):c.538C>T (p.Arg180Cys)

Gene: CHEK2 (checkpoint kinase 2; minus strand). Cytogenetic location: 22q12.1.
Variant type: single nucleotide variant.
Coding change: c.538C>T on transcript NM_007194.4 (MANE Select); coding-DNA position 538, C replaced by T.
Protein change: p.Arg180Cys; replaces arginine 180 with cysteine.
Molecular consequence: missense variant. On other transcripts: 5 prime UTR variant (2), intron variant (1).
Genome position (GRCh38, 1-based): chr22:28,725,031, G>A on the plus strand (C>T on the coding strand, the complement: CHEK2 is on the minus strand). VCF-style: chr22-28725031-G-A. GRCh37 (hg19) VCF-style: chr22-29121019-G-A.
Other names: p.R180C:CGC>TGC; NP_009125.1:p.Arg180Cys; c.667C>T, p.Arg223Cys (NM_001005735.3, NM_001438294.1); c.-240C>T (NM_001257387.3); c.-126C>T (NM_001437942.1); c.631C>T, p.Arg211Cys (NM_001438293.1, NM_001438295.1); c.538C>T, p.Arg180Cys (NM_145862.3); c.445-108C>T (NM_001349956.3); short protein forms R180C, R223C, R211C.
Identifiers: ClinVar variation 128081 (VCV000128081.98), dbSNP rs77130927, ClinGen allele CA288318.